The following is an entry in ClinVar:

NM_000179.3(MSH6):c.660A>C (p.Glu220Asp)

Gene: MSH6 (mutS homolog 6; plus strand). Cytogenetic location: 2p16.3.
Variant type: single nucleotide variant.
Coding change: c.660A>C on transcript NM_000179.3 (MANE Select); coding-DNA position 660, A replaced by C.
Protein change: p.Glu220Asp; replaces glutamic acid 220 with aspartic acid.
Molecular consequence: missense variant. On other transcripts: 5 prime UTR variant (2).
Genome position (GRCh38, 1-based): chr2:47,798,643, A>C. VCF-style: chr2-47798643-A-C. GRCh37 (hg19) VCF-style: chr2-48025782-A-C.
Other names: p.E220D:GAA>GAC; c.270A>C, p.Glu90Asp (NM_001281492.2); c.-247A>C (NM_001281493.2, NM_001281494.2); short protein forms E220D, E90D.
Identifiers: ClinVar variation 89551 (VCV000089551.93), dbSNP rs1800938, ClinGen allele CA016176.

ClinVar aggregate classification (germline): Likely benign. Review status: reviewed by expert panel (3 of 4 stars). 20 submissions from 20 submitters: Likely benign (1). 19 of the submissions do not count toward it. Last evaluated 2013-09-05.

Conditions:
MSH6-related disorder. Also called: MSH6-related condition; MSH6-Related disorders.
Mismatch repair cancer syndrome 3. Identifiers: MedGen C5436807, MONDO:0030841, OMIM 619097.
Endometrial carcinoma. Also called: Endometrial carcinoma, somatic. Identifiers: MedGen C0476089, MONDO:0002447, OMIM 608089, HP:0012114.
Lynch syndrome 5 (LYNCH5). Also called: Colorectal cancer, hereditary nonpolyposis, type 5; Hereditary non-polyposis colorectal cancer, type 5. Identifiers: Orphanet 144, MedGen C1833477, MONDO:0013710, OMIM 614350. Disease mechanism: loss of function.
Hereditary nonpolyposis colorectal neoplasms. Identifiers: MedGen C0009405, MeSH D003123.
Hereditary cancer-predisposing syndrome. Also called: Neoplastic Syndromes, Hereditary; Tumor predisposition; Hereditary Cancer Syndrome; Hereditary neoplastic syndrome. Identifiers: Orphanet 140162, MedGen C0027672, MeSH D009386, MONDO:0015356.
Breast and/or ovarian cancer. Identifiers: MedGen CN221562.
Lynch syndrome. Identifiers: Orphanet 144, MedGen C4552100, MONDO:0005835. Disease mechanism: loss of function.

Allele frequency attached by ClinVar (database versions not stated): gnomAD exomes 0.00007 and 0.00012; gnomAD 0.00009; TOPMed 0.00012; ExAC 0.00015.
gnomAD v4.1: 129 of 1,612,634 alleles (0.008%); highest among the groups gnomAD compares: Middle Eastern, 0.12%; no homozygotes.

Submissions (20):

International Society for Gastrointestinal Hereditary Tumours (InSiGHT)
Classification: Likely benign for Lynch Syndrome. Last evaluated: 2013-09-05. Review status: reviewed by expert panel. Criteria: Guidelines v1.9. Collection method: research. Allele origin: germline.
Comment: MAF 1% in a specific population

Classified with v1.9 guidelines

CeGaT Center for Human Genetics Tuebingen
Classification: Likely benign. Last evaluated: 2026-07-01. Review status: criteria provided, single submitter. Criteria: CeGaT Center For Human Genetics Tuebingen Variant Classification Criteria Version 2. Collection method: clinical testing. Allele origin: germline. Affected: yes. Observed: 3 variant alleles. Not counted in ClinVar's aggregate classification.
Comment: MSH6: BP4, BS1:Supporting, BS3:Moderate

Labcorp Genetics (formerly Invitae), Labcorp
Classification: Likely benign for Hereditary nonpolyposis colorectal neoplasms. Last evaluated: 2026-02-03. Review status: criteria provided, single submitter. Criteria: Invitae Variant Classification Sherloc (09022015). Collection method: clinical testing. Allele origin: germline. Not counted in ClinVar's aggregate classification.

Women's Health and Genetics/Laboratory Corporation of America, LabCorp
Classification: Likely benign. Last evaluated: 2025-07-28. Review status: criteria provided, single submitter. Criteria: LabCorp Variant Classification Summary - May 2015. Collection method: clinical testing. Allele origin: germline. Not counted in ClinVar's aggregate classification.
Comment: Variant summary: MSH6 c.660A>C (p.Glu220Asp) results in a conservative amino acid change in the encoded protein sequence. Algorithms developed to predict the effect of missense changes on protein structure and function are either unavailable or do not agree on the potential impact of this missense change. The variant allele was found at a frequency of 0.00014 in 249420 control chromosomes, predominantly at a frequency of 0.0002 within the South Asian subpopulation in the gnomAD database. The available data on variant occurrences in the general population are insufficient to allow any conclusion about variant significance. c.660A>C has been reported in the literature in individuals affected with cancer without evidence of cosegregation (Okkels_2012, Woods_2005, Li_2020, Muskens_2020). These reports do not provide unequivocal conclusions about association of the variant with Hereditary Nonpolyposis Colorectal Cancer. At least one publication reports experimental evidence evaluating an impact on MMR activity (Drost_2020). These results showed no damaging effect of this variant. The following publications have been ascertained in the context of this evaluation (PMID: 31965077, 15340264, 10537275, 31391288, 31970404, 22495361, 23621914, 16203774). ClinVar contains an entry for this variant (Variation ID: 89551). Based on the evidence outlined above, the variant was classified as likely benign.

PreventionGenetics, part of Exact Sciences
Classification: Likely benign for MSH6-related condition. Last evaluated: 2025-04-11. Review status: criteria provided, single submitter. Criteria: ACMG Guidelines, 2015. Collection method: clinical testing. Allele origin: germline. Not counted in ClinVar's aggregate classification.
Comment: This variant is classified as likely benign based on ACMG/AMP sequence variant interpretation guidelines (Richards et al. 2015 PMID: 25741868, with internal and published modifications).

Center for Genomic Medicine, Rigshospitalet, Copenhagen University Hospital
Classification: Likely benign. Last evaluated: 2025-03-04. Review status: criteria provided, single submitter. Criteria: ACMG Guidelines, 2015. Collection method: clinical testing. Allele origin: germline. Not counted in ClinVar's aggregate classification.

Myriad Genetics, Inc.
Classification: Likely benign for Lynch syndrome 5. Last evaluated: 2024-12-19. Review status: criteria provided, single submitter. Criteria: Myriad Autosomal Dominant, Autosomal Recessive and X-Linked Classification Criteria (2023). Collection method: clinical testing. Allele origin: unknown. Not counted in ClinVar's aggregate classification.
Comment: This variant is considered likely benign. This variant is strongly associated with less severe personal and family histories of cancer, typical for individuals without pathogenic variants in this gene [PMID: 27363726].

Color Diagnostics, LLC DBA Color Health
Classification: Benign for Hereditary cancer-predisposing syndrome. Last evaluated: 2024-10-10. Review status: criteria provided, single submitter. Criteria: ACMG Guidelines, 2015. Collection method: clinical testing. Allele origin: germline. Not counted in ClinVar's aggregate classification.

Institute for Biomarker Research, Medical Diagnostic Laboratories, L.L.C.
Classification: Uncertain significance for Hereditary cancer-predisposing syndrome. Last evaluated: 2024-05-07. Review status: criteria provided, single submitter. Criteria: ACMG Guidelines, 2015. Collection method: clinical testing. Allele origin: germline. Not counted in ClinVar's aggregate classification.

Department of Pathology and Laboratory Medicine, Sinai Health System
Classification: Likely benign for Endometrial carcinoma; Lynch syndrome 5; Mismatch repair cancer syndrome 3. Last evaluated: 2023-11-02. Review status: criteria provided, single submitter. Criteria: ACMG Guidelines, 2015. Collection method: clinical testing. Allele origin: germline. Affected: no. Not counted in ClinVar's aggregate classification.

KCCC/NGS Laboratory, Kuwait Cancer Control Center
Classification: Likely benign for Lynch syndrome 5. Last evaluated: 2023-07-07. Review status: criteria provided, single submitter. Criteria: ACMG Guidelines, 2015. Collection method: clinical testing. Allele origin: germline. Affected: yes. Not counted in ClinVar's aggregate classification.

CHEO Genetics Diagnostic Laboratory, Children's Hospital of Eastern Ontario
Classification: Likely benign for Breast and/or ovarian cancer. Last evaluated: 2023-06-29. Review status: criteria provided, single submitter. Criteria: ACMG Guidelines, 2015. Collection method: clinical testing. Allele origin: germline. Not counted in ClinVar's aggregate classification.

Fulgent Genetics
Classification: Likely benign for Endometrial carcinoma; Lynch syndrome 5; Mismatch repair cancer syndrome 3. Last evaluated: 2022-03-23. Review status: criteria provided, single submitter. Criteria: ACMG Guidelines, 2015. Collection method: clinical testing. Allele origin: unknown. Not counted in ClinVar's aggregate classification.

Institute for Clinical Genetics, University Hospital TU Dresden, University Hospital TU Dresden
Classification: Likely benign. Last evaluated: 2021-11-03. Review status: criteria provided, single submitter. Criteria: ACMG Guidelines, 2015. Collection method: clinical testing. Allele origin: germline. Not counted in ClinVar's aggregate classification.

Sema4
Classification: Likely benign for Hereditary cancer-predisposing syndrome. Last evaluated: 2021-03-29. Review status: criteria provided, single submitter. Criteria: Sema4 Curation Guidelines. Collection method: curation. Allele origin: germline. Not counted in ClinVar's aggregate classification.

GeneDx
Classification: Likely benign. Last evaluated: 2020-11-16. Review status: criteria provided, single submitter. Criteria: GeneDx Variant Classification Process June 2021. Collection method: clinical testing. Allele origin: germline. Affected: yes. Not counted in ClinVar's aggregate classification.
Comment: This variant is associated with the following publications: (PMID: 22495361, 16203774, 23621914, 15340264, 21153778, 10537275)

Mendelics
Classification: Likely benign for Lynch syndrome 5. Last evaluated: 2019-05-28. Review status: criteria provided, single submitter. Criteria: Mendelics Assertion Criteria 2017. Collection method: clinical testing. Allele origin: unknown. Not counted in ClinVar's aggregate classification.

Ambry Genetics
Classification: Likely benign for Hereditary cancer-predisposing syndrome. Last evaluated: 2018-11-21. Review status: criteria provided, single submitter. Criteria: Ambry Variant Classification Scheme 2023. Collection method: clinical testing. Allele origin: germline. Not counted in ClinVar's aggregate classification.

Eurofins Ntd Llc (ga)
Classification: Uncertain significance. Last evaluated: 2016-11-01. Review status: criteria provided, single submitter. Criteria: EGL Classification Definitions 2015. Collection method: clinical testing. Allele origin: germline. Observed: 1 variant allele, 1 heterozygote. Not counted in ClinVar's aggregate classification.

Mayo Clinic Laboratories, Mayo Clinic
Classification: Uncertain significance. Review status: no assertion criteria provided. Collection method: research. Allele origin: unknown. Observed: 1 variant allele. Not counted in ClinVar's aggregate classification.

Literature cited by the submitters: PubMed 10537275 (cited by Women's Health and Genetics/Laboratory Corporation of America, LabCorp and Department of Pathology and Laboratory Medicine, Sinai Health System); PubMed 16203774 (cited by Women's Health and Genetics/Laboratory Corporation of America, LabCorp and Department of Pathology and Laboratory Medicine, Sinai Health System); PubMed 15340264 (cited by Women's Health and Genetics/Laboratory Corporation of America, LabCorp); PubMed 23621914 (cited by Women's Health and Genetics/Laboratory Corporation of America, LabCorp); PubMed 22495361 (cited by 3 submitters); PubMed 31391288 (cited by Women's Health and Genetics/Laboratory Corporation of America, LabCorp); PubMed 31965077 (cited by Women's Health and Genetics/Laboratory Corporation of America, LabCorp and Department of Pathology and Laboratory Medicine, Sinai Health System); PubMed 31970404 (cited by Women's Health and Genetics/Laboratory Corporation of America, LabCorp); PubMed 27363726 (cited by Myriad Genetics, Inc.).